The following is an entry in ClinVar:

ClinVar aggregate classification (germline): Uncertain significance (1 of 4 stars; one submission).

Submission:

Women's Health and Genetics/Laboratory Corporation of America, LabCorp
Classification: Uncertain significance. Last evaluated: 2025-12-09. Review status: criteria provided, single submitter. Criteria: LabCorp Variant Classification Summary - May 2015. Collection method: clinical testing. Allele origin: germline.
Comment: Variant summary: VWF c.2554_2555delinsGG (p.Gln852Gly) is part of a multinucleotide combination of 12-6143985-G-C (c.2554C>G and p.Gln852Glu) and 12-6143984-T-C (c.2555A>G and p.Gln852Arg) that results in a non-conservative amino acid change in the encoded protein sequence. Algorithms developed to predict the effect of missense changes on protein structure and function are either unavailable or do not agree on the potential impact of this missense change. The variant allele was found at a frequency of 3.2e-05 in 282790 control chromosomes. The available data on variant occurrences in the general population are insufficient to allow any conclusion about variant significance. To our knowledge, no occurrence of c.2554_2555delinsGG in individuals affected with VWF-related conditions and no experimental evidence demonstrating its impact on protein function have been reported. No submitters have cited clinical-significance assessments for this variant to ClinVar. Based on the evidence outlined above, the variant was classified as uncertain significance.

NM_000552.5(VWF):c.2554_2555delinsGG (p.Gln852Gly)

Gene: VWF (von Willebrand factor; minus strand). Cytogenetic location: 12p13.31.
Variant type: Indel.
Coding change: c.2554_2555delinsGG on transcript NM_000552.5 (MANE Select); coding-DNA positions 2554 to 2555, CA replaced by GG.
Protein change: p.Gln852Gly; replaces glutamine 852 with glycine.
Molecular consequence: missense variant.
Genome position (GRCh38, 1-based): chr12:6,034,818-6,034,819, TG replaced by CC on the plus strand (CA replaced by GG on the coding strand, the reverse complement: VWF is on the minus strand). VCF-style: chr12-6034818-TG-CC. GRCh37 (hg19) VCF-style: chr12-6143984-TG-CC.
Other names: short protein forms Q852G.
Identifiers: ClinVar variation 4688453 (VCV004688453.1).